The following is an entry in ClinVar:

NM_000057.4(BLM):c.3055C>T (p.His1019Tyr)

Gene: BLM (BLM RecQ like helicase; plus strand). Cytogenetic location: 15q26.1.
Variant type: single nucleotide variant.
Coding change: c.3055C>T on transcript NM_000057.4 (MANE Select); coding-DNA position 3055, C replaced by T.
Protein change: p.His1019Tyr; replaces histidine 1019 with tyrosine.
Molecular consequence: missense variant.
Genome position (GRCh38, 1-based): chr15:90,794,202, C>T. VCF-style: chr15-90794202-C-T. GRCh37 (hg19) VCF-style: chr15-91337432-C-T.
Other names: c.3055C>T, p.His1019Tyr (NM_001287246.2, NM_001287247.2); c.1930C>T, p.His644Tyr (NM_001287248.2); short protein forms H1019Y, H644Y.
Identifiers: ClinVar variation 2452533 (VCV002452533.5), dbSNP rs896370076, ClinGen allele CA274767360.
Genomic context (GRCh38, chr15:90,794,202, plus strand): 5'-TTACTATAGTCTTCATCTCTTTTAGTGGAAAAAGATGGAAACCATCATACAAGAGAAACT[C>T]ACTTCAATAATTTGTATAGCATGGTACATTACTGTGAAAATATAACGGAATGCAGGAGAA-3'
Protein context (NP_000048.1, residues 1009-1029): KDGNHHTRET[His1019Tyr]FNNLYSMVHY

ClinVar aggregate classification (germline): Uncertain significance. Review status: criteria provided, multiple submitters, no conflicts (2 of 4 stars). 2 submissions from 2 submitters: Uncertain significance (2). Last evaluated 2025-01-29.

Conditions:
Bloom syndrome (BLM). Also called: Bloom-Torre-Machacek syndrome. Identifiers: Orphanet 125, MedGen C0005859, MONDO:0008876, OMIM 210900.
Hereditary cancer-predisposing syndrome. Also called: Neoplastic Syndromes, Hereditary; Tumor predisposition; Hereditary neoplastic syndrome; Hereditary Cancer Syndrome. Identifiers: Orphanet 140162, MedGen C0027672, MeSH D009386, MONDO:0015356.

Submissions (2):

Labcorp Genetics (formerly Invitae), Labcorp
Classification: Uncertain significance for Bloom syndrome. Last evaluated: 2025-01-29. Review status: criteria provided, single submitter. Criteria: Invitae Variant Classification Sherloc (09022015). Collection method: clinical testing. Allele origin: germline.
Comment: This sequence change replaces histidine, which is basic and polar, with tyrosine, which is neutral and polar, at codon 1019 of the BLM protein (p.His1019Tyr). This variant is not present in population databases (gnomAD no frequency). This variant has not been reported in the literature in individuals affected with BLM-related conditions. ClinVar contains an entry for this variant (Variation ID: 2452533). Invitae Evidence Modeling of protein sequence and biophysical properties (such as structural, functional, and spatial information, amino acid conservation, physicochemical variation, residue mobility, and thermodynamic stability) indicates that this missense variant is expected to disrupt BLM protein function with a positive predictive value of 80%. In summary, the available evidence is currently insufficient to determine the role of this variant in disease. Therefore, it has been classified as a Variant of Uncertain Significance.

Ambry Genetics
Classification: Uncertain significance for Hereditary cancer-predisposing syndrome. Last evaluated: 2024-12-29. Review status: criteria provided, single submitter. Criteria: Ambry Variant Classification Scheme 2023. Collection method: clinical testing. Allele origin: germline.
Comment: The p.H1019Y variant (also known as c.3055C>T), located in coding exon 15 of the BLM gene, results from a C to T substitution at nucleotide position 3055. The histidine at codon 1019 is replaced by tyrosine, an amino acid with similar properties. This amino acid position is conserved. In addition, this alteration is predicted to be deleterious by in silico analysis. Since supporting evidence is limited at this time, the clinical significance of this alteration remains unclear.